The following is an entry in ClinVar:

ClinVar aggregate classification (germline): Uncertain significance. Review status: criteria provided, multiple submitters, no conflicts (2 of 4 stars). 2 submissions from 2 submitters: Uncertain significance (2). Last evaluated 2025-02-07.

Conditions:
Inborn genetic diseases. Identifiers: MedGen C0950123, MeSH D030342.

Submissions (2):

Ambry Genetics
Classification: Uncertain significance for Inborn genetic diseases. Last evaluated: 2025-02-07. Review status: criteria provided, single submitter. Criteria: Ambry Variant Classification Scheme 2023. Collection method: clinical testing. Allele origin: germline.

Mayo Clinic Laboratories, Mayo Clinic
Classification: Uncertain significance. Last evaluated: 2023-06-02. Review status: criteria provided, single submitter. Criteria: ACMG Guidelines, 2015. Collection method: clinical testing. Allele origin: germline. Observed: 1 variant allele.
Comment: PM2

NM_001303.4(COX10):c.523G>T (p.Ala175Ser)

Gene: COX10 (cytochrome c oxidase assembly factor heme A:farnesyltransferase COX10; plus strand). Cytogenetic location: 17p12.
Variant type: single nucleotide variant.
Coding change: c.523G>T on transcript NM_001303.4 (MANE Select); coding-DNA position 523, G replaced by T.
Protein change: p.Ala175Ser; replaces alanine 175 with serine.
Molecular consequence: missense variant.
Genome position (GRCh38, 1-based): chr17:14,102,141, G>T. VCF-style: chr17-14102141-G-T. GRCh37 (hg19) VCF-style: chr17-14005458-G-T.
Other names: p.Ala175Ser; c.523G>T (NM_001303.3); short protein forms A175S.
Identifiers: ClinVar variation 2683409 (VCV002683409.2), dbSNP rs2508434421, ClinGen allele CA398248709.